The following is an entry in ClinVar:

ClinVar aggregate classification (germline): Uncertain significance. Review status: criteria provided, multiple submitters, no conflicts (2 of 4 stars). 2 submissions from 2 submitters: Uncertain significance (2). Last evaluated 2025-05-18.

Conditions:
Autosomal recessive limb-girdle muscular dystrophy type 2P. Also called: Limb-Girdle Muscular Dystrophy Type 9C; MUSCULAR DYSTROPHY, LIMB-GIRDLE, TYPE 2P; MUSCULAR DYSTROPHY-DYSTROGLYCANOPATHY, LIMB-GIRDLE, DAG1-RELATED. Identifiers: Orphanet 280333, MedGen C4511963, MONDO:0013440, OMIM 613818.
Muscular dystrophy-dystroglycanopathy (congenital with brain and eye anomalies), type A9. Also called: WALKER-WARBURG SYNDROME OR MUSCLE-EYE BRAIN DISEASE, DAG1-RELATED; Muscular dystrophy-dystroglycanopathy (congenital with brain and eye anomalies), type a, 9. Identifiers: Orphanet 370997, Orphanet 899, MedGen C4225291, MONDO:0014683, OMIM 616538.
Inborn genetic diseases. Identifiers: MedGen C0950123, MeSH D030342.

Allele frequency attached by ClinVar (database versions not stated): gnomAD exomes 0.00004 and 0.00001; ExAC 0.00007; 1000 Genomes Project 30x 0.00062; TOPMed 0.00007; ESP Exome Variant Server 0.00015; gnomAD 0.00013; 1000 Genomes Project 0.00040.

Submissions (2):

Ambry Genetics
Classification: Uncertain significance for Inborn genetic diseases. Last evaluated: 2025-05-18. Review status: criteria provided, single submitter. Criteria: Ambry Variant Classification Scheme 2023. Collection method: clinical testing. Allele origin: germline.

Labcorp Genetics (formerly Invitae), Labcorp
Classification: Uncertain significance for Autosomal recessive limb-girdle muscular dystrophy type 2P; Muscular dystrophy-dystroglycanopathy (congenital with brain and eye anomalies), type A9. Last evaluated: 2024-11-04. Review status: criteria provided, single submitter. Criteria: Invitae Variant Classification Sherloc (09022015). Collection method: clinical testing. Allele origin: germline.
Comment: This sequence change replaces lysine, which is basic and polar, with glutamic acid, which is acidic and polar, at codon 205 of the DAG1 protein (p.Lys205Glu). This variant is present in population databases (rs145871499, gnomAD 0.07%). This variant has not been reported in the literature in individuals affected with DAG1-related conditions. ClinVar contains an entry for this variant (Variation ID: 539121). Invitae Evidence Modeling of protein sequence and biophysical properties (such as structural, functional, and spatial information, amino acid conservation, physicochemical variation, residue mobility, and thermodynamic stability) indicates that this missense variant is not expected to disrupt DAG1 protein function with a negative predictive value of 80%. In summary, the available evidence is currently insufficient to determine the role of this variant in disease. Therefore, it has been classified as a Variant of Uncertain Significance.

NM_004393.6(DAG1):c.613A>G (p.Lys205Glu)

Gene: DAG1 (dystroglycan 1; plus strand). Cytogenetic location: 3p21.31.
Variant type: single nucleotide variant.
Coding change: c.613A>G on transcript NM_004393.6 (MANE Select); coding-DNA position 613, A replaced by G.
Protein change: p.Lys205Glu; replaces lysine 205 with glutamic acid.
Molecular consequence: missense variant.
Genome position (GRCh38, 1-based): chr3:49,531,124, A>G. VCF-style: chr3-49531124-A-G. GRCh37 (hg19) VCF-style: chr3-49568557-A-G.
Other names: c.613A>G, p.Lys205Glu (NM_001165928.4, NM_001177634.3, NM_001177635.3 and 9 more transcripts); c.613A>G (NM_004393.4); short protein forms K205E.
Identifiers: ClinVar variation 539121 (VCV000539121.7), dbSNP rs145871499, ClinGen allele CA2398937.
Genomic context (GRCh38, chr3:49,531,124, plus strand): 5'-GATGAACCTGTGACTGTTTTGACGGTGATTTTGGATGCCGACCTCACCAAGATGACCCCA[A>G]AGCAAAGGATTGACCTCCTGCACAGGATGCGGAGCTTCTCAGAAGTAGAGCTTCACAACA-3'
Protein context (NP_004384.5, residues 195-215): LDADLTKMTP[Lys205Glu]QRIDLLHRMR